The following is an entry in ClinVar:

NM_000214.3(JAG1):c.1579G>T (p.Asp527Tyr)

Gene: JAG1 (jagged canonical Notch ligand 1; minus strand). Cytogenetic location: 20p12.2.
Variant type: single nucleotide variant.
Coding change: c.1579G>T on transcript NM_000214.3 (MANE Select); coding-DNA position 1579, G replaced by T.
Protein change: p.Asp527Tyr; replaces aspartic acid 527 with tyrosine.
Molecular consequence: missense variant.
Genome position (GRCh38, 1-based): chr20:10,648,101, C>A on the plus strand (G>T on the coding strand, the complement: JAG1 is on the minus strand). VCF-style: chr20-10648101-C-A. GRCh37 (hg19) VCF-style: chr20-10628749-C-A.
Other names: short protein forms D527Y.
Identifiers: ClinVar variation 2770835 (VCV002770835.3), dbSNP rs934594487, ClinGen allele CA408237058.

ClinVar aggregate classification (germline): Uncertain significance (1 of 4 stars; one submission).

Conditions:
Alagille syndrome due to a JAG1 point mutation. Also called: HEPATIC DUCTULAR HYPOPLASIA, SYNDROMATIC; JAG1-Related Alagille Syndrome; Alagille Syndrome 1. Identifiers: Orphanet 261619, Orphanet 52, MedGen C1956125, MONDO:0016862, OMIM 118450.

Submission:

Labcorp Genetics (formerly Invitae), Labcorp
Classification: Uncertain significance for Alagille syndrome due to a JAG1 point mutation. Last evaluated: 2023-10-22. Review status: criteria provided, single submitter. Criteria: Invitae Variant Classification Sherloc (09022015). Collection method: clinical testing. Allele origin: germline.
Comment: This sequence change replaces aspartic acid, which is acidic and polar, with tyrosine, which is neutral and polar, at codon 527 of the JAG1 protein (p.Asp527Tyr). This variant is not present in population databases (gnomAD no frequency). This variant has not been reported in the literature in individuals affected with JAG1-related conditions. Advanced modeling of protein sequence and biophysical properties (such as structural, functional, and spatial information, amino acid conservation, physicochemical variation, residue mobility, and thermodynamic stability) has been performed at Invitae for this missense variant, however the output from this modeling did not meet the statistical confidence thresholds required to predict the impact of this variant on JAG1 protein function. In summary, the available evidence is currently insufficient to determine the role of this variant in disease. Therefore, it has been classified as a Variant of Uncertain Significance.